The following is an entry in ClinVar:

ClinVar aggregate classification (germline): Likely benign. Review status: criteria provided, multiple submitters, no conflicts (2 of 4 stars). 2 submissions from 2 submitters: Likely benign (2). Last evaluated 2025-11-03.

Conditions:
Creatine transporter deficiency (CCDS1). Also called: SLC6A8-Related Creatine Transporter Deficiency; CREATINE TRANSPORTER DEFECT; CEREBRAL CREATINE DEFICIENCY SYNDROME 1; Mental retardation , X-linked with seizures, short stature and midface hypoplasia; Mental retardation , X-linked, with creatine transport deficiency; X-linked creatine transporter deficiency. Identifiers: Orphanet 52503, MedGen C1845862, MONDO:0010305, OMIM 300352.

Allele frequency attached by ClinVar (database versions not stated): gnomAD exomes below 0.00001; gnomAD 0.00001; TOPMed 0.00002.
gnomAD v4.1: 2 of 1,210,847 alleles (0.00017%); highest among the groups gnomAD compares: African/African-American, 0.0035%; no homozygotes.

Submissions (2):

Labcorp Genetics (formerly Invitae), Labcorp
Classification: Likely benign for Creatine transporter deficiency. Last evaluated: 2025-11-03. Review status: criteria provided, single submitter. Criteria: Invitae Variant Classification Sherloc (09022015). Collection method: clinical testing. Allele origin: germline.

GeneDx
Classification: Likely benign. Last evaluated: 2017-05-12. Review status: criteria provided, single submitter. Criteria: GeneDx Variant Classification (06012015). Collection method: clinical testing. Allele origin: germline. Affected: yes.
Comment: This variant is considered likely benign or benign based on one or more of the following criteria: it is a conservative change, it occurs at a poorly conserved position in the protein, it is predicted to be benign by multiple in silico algorithms, and/or has population frequency not consistent with disease.

NM_005629.4(SLC6A8):c.627T>C (p.Pro209=)

Gene: SLC6A8 (solute carrier family 6 member 8; plus strand). Cytogenetic location: Xq28.
Variant type: single nucleotide variant.
Coding change: c.627T>C on transcript NM_005629.4 (MANE Select); coding-DNA position 627, T replaced by C.
Protein change: p.Pro209=; no amino-acid change (proline 209 retained).
Molecular consequence: synonymous variant.
Genome position (GRCh38, 1-based): chrX:153,691,536, T>C. VCF-style: chrX-153691536-T-C. GRCh37 (hg19) VCF-style: chrX-152956991-T-C.
Other names: c.627T>C, p.Pro209= (NM_001142805.2); c.282T>C, p.Pro94= (NM_001142806.1).
Identifiers: ClinVar variation 383170 (VCV000383170.8), dbSNP rs1057521539, ClinGen allele CA16609139.